The following is an entry in ClinVar:

NM_000512.5(GALNS):c.935C>G (p.Thr312Ser)

Gene: GALNS (galactosamine (N-acetyl)-6-sulfatase; minus strand). Cytogenetic location: 16q24.3.
Variant type: single nucleotide variant.
Coding change: c.935C>G on transcript NM_000512.5 (MANE Select); coding-DNA position 935, C replaced by G.
Protein change: p.Thr312Ser; replaces threonine 312 with serine.
Molecular consequence: missense variant.
Genome position (GRCh38, 1-based): chr16:88,832,065, G>C on the plus strand (C>G on the coding strand, the complement: GALNS is on the minus strand). VCF-style: chr16-88832065-G-C. GRCh37 (hg19) VCF-style: chr16-88898473-G-C.
Other names: c.380C>G, p.Thr127Ser (NM_001323543.2); c.953C>G, p.Thr318Ser (NM_001323544.2); short protein forms T312S, T127S, T318S.
Identifiers: ClinVar variation 713 (VCV000000713.17), dbSNP rs118204446, ClinGen allele CA339831.

ClinVar aggregate classification (germline): Pathogenic/Likely pathogenic. Review status: criteria provided, multiple submitters, no conflicts (2 of 4 stars). 7 submissions from 7 submitters: Pathogenic (3); Likely pathogenic (2). 2 of the submissions do not count toward it. Last evaluated 2024-08-08.

Conditions:
Morquio syndrome. Also called: Mucopolysaccharidosis, Type IV; MPS IV; Mucopolysaccharidosis type 4; Eccentrochondrodysplasia. Identifiers: Orphanet 582, MedGen C0026707, MONDO:0018938.
Mucopolysaccharidosis, MPS-IV-A (MPS4A). Also called: GALACTOSAMINE-6-SULFATASE DEFICIENCY; GALNS DEFICIENCY; MPS IVA; Mucopolysaccharidosis type IV A; Morquio syndrome A, mild; MORQUIO A DISEASE. Identifiers: Orphanet 309297, Orphanet 582, MedGen C0086651, MONDO:0009659, OMIM 253000.

Allele frequency attached by ClinVar (database versions not stated): ExAC 0.00001; gnomAD exomes 0.00002 and 0.00003; TOPMed 0.00001; gnomAD 0.00002.
gnomAD v4.1: 53 of 1,613,790 alleles (0.0033%); highest among the groups gnomAD compares: Non-Finnish European, 0.0041%; no homozygotes.

Submissions (7):

Labcorp Genetics (formerly Invitae), Labcorp
Classification: Pathogenic for Mucopolysaccharidosis, MPS-IV-A. Last evaluated: 2024-08-08. Review status: criteria provided, single submitter. Criteria: Invitae Variant Classification Sherloc (09022015). Collection method: clinical testing. Allele origin: germline.
Comment: This sequence change replaces threonine, which is neutral and polar, with serine, which is neutral and polar, at codon 312 of the GALNS protein (p.Thr312Ser). This variant is present in population databases (rs118204446, gnomAD 0.004%). This missense change has been observed in individuals with MPS IVA (PMID: 9521421, 15235041). ClinVar contains an entry for this variant (Variation ID: 713). Advanced modeling of protein sequence and biophysical properties (such as structural, functional, and spatial information, amino acid conservation, physicochemical variation, residue mobility, and thermodynamic stability) performed at Invitae indicates that this missense variant is expected to disrupt GALNS protein function with a positive predictive value of 95%. Experimental studies have shown that this missense change affects GALNS function (PMID: 9521421, 10814710). For these reasons, this variant has been classified as Pathogenic.

Fulgent Genetics
Classification: Pathogenic for Mucopolysaccharidosis, MPS-IV-A. Last evaluated: 2024-06-15. Review status: criteria provided, single submitter. Criteria: ACMG Guidelines, 2015. Collection method: clinical testing. Allele origin: germline.

Genome-Nilou Lab
Classification: Likely pathogenic for Mucopolysaccharidosis, MPS-IV-A. Last evaluated: 2021-11-07. Review status: criteria provided, single submitter. Criteria: ACMG Guidelines, 2015. Collection method: clinical testing. Allele origin: germline. Affected: no.

Laboratory of Diagnosis and Therapy of Lysosomal Disorders, University of Padova
Classification: Likely pathogenic for Mucopolysaccharidosis, MPS-IV-A. Last evaluated: 2021-02-01. Review status: criteria provided, single submitter. Criteria: ACMG Guidelines, 2015. Collection method: research. Allele origin: germline. Affected: yes.
Comment: In vivo and in vitro functional studies supportive of a damaging effect on the gene product (low to null enzymatic activity in homozygotes; low to null in vitro enzymatic activity; PS3_moderate); the prevalence of the variant in affected individuals is significantly increased compared with the prevalence in controls (PS4_strong); very low frequency in gnomAD v2.1.1 (PM2_moderate); multiple lines of computational evidence support a deleterious effect on the gene (PP3_supporting)

Women's Health and Genetics/Laboratory Corporation of America, LabCorp
Classification: Pathogenic for Morquio syndrome. Last evaluated: 2019-12-11. Review status: criteria provided, single submitter. Criteria: LabCorp Variant Classification Summary - May 2015. Collection method: clinical testing. Allele origin: germline.
Comment: Variant summary: GALNS c.935C>G (p.Thr312Ser) results in a conservative amino acid change located in the Sulfatase, N-terminal domain of the encoded protein sequence. Three of five in-silico tools predict a benign effect of the variant on protein function. The variant allele was found at a frequency of 2e-05 in 250636 control chromosomes (gnomAD). c.935C>G has been reported in the literature in multiple individuals affected with Mucopolysaccharidosis Type IVA (Morquio Syndrome A)(Yamada_1998). Authors indicate the variant causes a mild phenotype. These data indicate that the variant is very likely to be associated with disease. Functional analysis performed by Yamada_1998 found the variant to produce 15% normal activity. Based on the evidence outlined above, the variant was classified as pathogenic.

OMIM
Classification: Pathogenic for MUCOPOLYSACCHARIDOSIS, TYPE IVA. Last evaluated: 1998-01-01. Review status: no assertion criteria provided. Collection method: literature only. Allele origin: germline. Not counted in ClinVar's aggregate classification.

GeneReviews
No classification provided. Condition: Mucopolysaccharidosis, MPS-IV-A. Review status: no classification provided. Collection method: literature only. Allele origin: germline. Not counted in ClinVar's aggregate classification.

Literature cited by the submitters: PubMed 9521421 (cited by 4 submitters); PubMed 15235041 (cited by Labcorp Genetics (formerly Invitae), Labcorp and Laboratory of Diagnosis and Therapy of Lysosomal Disorders, University of Padova); PubMed 10814710 (cited by Labcorp Genetics (formerly Invitae), Labcorp); PubMed 16287098 (cited by Laboratory of Diagnosis and Therapy of Lysosomal Disorders, University of Padova); PubMed 24726177 (cited by Laboratory of Diagnosis and Therapy of Lysosomal Disorders, University of Padova); PubMed 26502894 (cited by Laboratory of Diagnosis and Therapy of Lysosomal Disorders, University of Padova); PubMed 34387910 (cited by Laboratory of Diagnosis and Therapy of Lysosomal Disorders, University of Padova); DOI: 10.1036/ommbid.165 (cited by GeneReviews); PubMed 23844448 (cited by GeneReviews).